The following is an entry in ClinVar:

NC_000011.9:g.(?_20648234)_(20676414_?)dup

Gene: SLC6A5 (solute carrier family 6 member 5; plus strand). Cytogenetic location: 11p15.1.
Variant type: Duplication.
Identifiers: ClinVar variation 2425044 (VCV002425044.4).

ClinVar aggregate classification (germline): Uncertain significance (1 of 4 stars; one submission).

Conditions:
Hyperekplexia 3 (HKPX3). Also called: HYPEREKPLEXIA 3, AUTOSOMAL RECESSIVE; HYPEREKPLEXIA 3, AUTOSOMAL DOMINANT. Identifiers: Orphanet 3197, MedGen C3553288, MONDO:0013827, OMIM 614618.

Submission:

Labcorp Genetics (formerly Invitae), Labcorp
Classification: Uncertain significance for Hyperekplexia 3. Last evaluated: 2022-04-17. Review status: criteria provided, single submitter. Criteria: Invitae Variant Classification Sherloc (09022015). Collection method: clinical testing. Allele origin: germline.
Comment: This variant results in a copy number gain of the genomic region encompassing exon(s) 8-16 of the SLC6A5 gene. This region includes the termination codon of the gene. This copy number gain extends beyond the assayed region for this gene and therefore may encompass additional genes. As the precise location of this event is unknown, it may be in tandem or it may be located elsewhere in the genome. This variant has not been reported in the literature in individuals affected with SLC6A5-related conditions. In summary, the available evidence is currently insufficient to determine the role of this variant in disease. Therefore, it has been classified as a Variant of Uncertain Significance.